The following is an entry in ClinVar:

ClinVar aggregate classification (germline): Uncertain significance. Review status: criteria provided, multiple submitters, no conflicts (2 of 4 stars). 2 submissions from 2 submitters: Uncertain significance (2). Last evaluated 2024-01-13.

Conditions:
Microvascular complications of diabetes, susceptibility to, 3. Identifiers: MedGen C2675470, MONDO:0012963, OMIM 612624.
Renal tubular dysgenesis of genetic origin. Also called: PRIMITIVE RENAL TUBULE SYNDROME. Identifiers: Orphanet 97369, MedGen C5681536, MONDO:0009970, OMIM 267430.
Hemorrhage, intracerebral, susceptibility to (ICH). Also called: Stroke, hemorrhagic, susceptibility to. Identifiers: MedGen C3281105, MONDO:0100533, OMIM 614519.

Allele frequency attached by ClinVar (database versions not stated): ExAC 0.00004; gnomAD 0.00004; TOPMed 0.00005; ESP Exome Variant Server 0.00015.
gnomAD v4.1: 44 of 1,613,990 alleles (0.0027%); highest among the groups gnomAD compares: Admixed American, 0.025%; no homozygotes.

Submissions (2):

Fulgent Genetics
Classification: Uncertain significance for Renal tubular dysgenesis of genetic origin; Microvascular complications of diabetes, susceptibility to, 3; Hemorrhage, intracerebral, susceptibility to. Last evaluated: 2024-01-13. Review status: criteria provided, single submitter. Criteria: ACMG Guidelines, 2015. Collection method: clinical testing. Allele origin: germline.

Labcorp Genetics (formerly Invitae), Labcorp
Classification: Uncertain significance. Last evaluated: 2023-11-27. Review status: criteria provided, single submitter. Criteria: Invitae Variant Classification Sherloc (09022015). Collection method: clinical testing. Allele origin: germline.
Comment: This sequence change replaces valine, which is neutral and non-polar, with methionine, which is neutral and non-polar, at codon 423 of the ACE protein (p.Val423Met). This variant is present in population databases (rs148018765, gnomAD 0.03%). This variant has not been reported in the literature in individuals affected with ACE-related conditions. ClinVar contains an entry for this variant (Variation ID: 2190625). Advanced modeling of protein sequence and biophysical properties (such as structural, functional, and spatial information, amino acid conservation, physicochemical variation, residue mobility, and thermodynamic stability) performed at Invitae indicates that this missense variant is not expected to disrupt ACE protein function with a negative predictive value of 80%. In summary, the available evidence is currently insufficient to determine the role of this variant in disease. Therefore, it has been classified as a Variant of Uncertain Significance.

NM_000789.4(ACE):c.1267G>A (p.Val423Met)

Gene: ACE (angiotensin I converting enzyme; plus strand). Cytogenetic location: 17q23.3.
Variant type: single nucleotide variant.
Coding change: c.1267G>A on transcript NM_000789.4 (MANE Select); coding-DNA position 1267, G replaced by A.
Protein change: p.Val423Met; replaces valine 423 with methionine.
Molecular consequence: missense variant.
Genome position (GRCh38, 1-based): chr17:63,482,614, G>A. VCF-style: chr17-63482614-G-A. GRCh37 (hg19) VCF-style: chr17-61559975-G-A.
Other names: c.700G>A, p.Val234Met (NM_001382700.1); c.415G>A, p.Val139Met (NM_001382701.1); short protein forms V139M, V234M, V423M.
Identifiers: ClinVar variation 2190625 (VCV002190625.5), dbSNP rs148018765, ClinGen allele CA8699456.